The following is an entry in ClinVar:

NM_000130.5(F5):c.5189A>G (p.Tyr1730Cys)

Gene: F5 (coagulation factor V; minus strand). Cytogenetic location: 1q24.2.
Variant type: single nucleotide variant.
Coding change: c.5189A>G on transcript NM_000130.5 (MANE Select); coding-DNA position 5189, A replaced by G.
Protein change: p.Tyr1730Cys; replaces tyrosine 1730 with cysteine.
Molecular consequence: missense variant.
Genome position (GRCh38, 1-based): chr1:169,530,805, T>C on the plus strand (A>G on the coding strand, the complement: F5 is on the minus strand). VCF-style: chr1-169530805-T-C. GRCh37 (hg19) VCF-style: chr1-169500043-T-C.
Other names: F5, TYR1702CYS; Y1702C; short protein forms Y1730C.
Identifiers: ClinVar variation 649 (VCV000000649.10), dbSNP rs118203907, ClinGen allele CA251551.

ClinVar aggregate classification (germline): Pathogenic/Likely pathogenic. Review status: criteria provided, multiple submitters, no conflicts (2 of 4 stars). 4 submissions from 4 submitters: Pathogenic (2); Likely pathogenic (1). 1 of the submissions does not count toward it. Last evaluated 2026-01-18.

Conditions:
Congenital factor V deficiency. Also called: LABILE FACTOR DEFICIENCY; OWREN PARAHEMOPHILIA; PARAHEMOPHILIA; Hereditary factor V deficiency disease. Identifiers: Orphanet 326, MedGen C0015499, MONDO:0009210, OMIM 227400.
Factor V deficiency. Also called: Reduced coagulation factor V activity. Identifiers: Orphanet 326, MedGen C4317320, MONDO:0020586, HP:0003225.

Allele frequency attached by ClinVar (database versions not stated): ExAC 0.00001; TOPMed 0.00002; gnomAD 0.00001; gnomAD exomes 0.00002.
gnomAD v4.1: 35 of 1,613,772 alleles (0.0022%); highest among the groups gnomAD compares: Non-Finnish European, 0.003%; no homozygotes.

Submissions (4):

GeneDx
Classification: Likely pathogenic. Last evaluated: 2026-01-18. Review status: criteria provided, single submitter. Criteria: GeneDx Variant Classification Process June 2021. Collection method: clinical testing. Allele origin: germline.
Comment: Published functional studies demonstrate a damaging effect: significantly decreased protein level and activity (PMID: 16476093); In silico analysis supports that this missense variant has a deleterious effect on protein structure/function; Also known as c.5279A>G p.Y1702C; This variant is associated with the following publications: (PMID: 11435304, 11418372, 12816860, 20735394, 24517203, 16476093, 10942390, 37647632)

Labcorp Genetics (formerly Invitae), Labcorp
Classification: Pathogenic for Congenital factor V deficiency. Last evaluated: 2023-09-03. Review status: criteria provided, single submitter. Criteria: Invitae Variant Classification Sherloc (09022015). Collection method: clinical testing. Allele origin: germline.
Comment: For these reasons, this variant has been classified as Pathogenic. Advanced modeling of protein sequence and biophysical properties (such as structural, functional, and spatial information, amino acid conservation, physicochemical variation, residue mobility, and thermodynamic stability) performed at Invitae indicates that this missense variant is expected to disrupt F5 protein function. ClinVar contains an entry for this variant (Variation ID: 649). This variant is also known as p.Tyr1702Cys. This missense change has been observed in individual(s) with factor V deficiency (PMID: 10942390, 11418372, 16476093, 24517203). In at least one individual the data is consistent with being in trans (on the opposite chromosome) from a pathogenic variant. It has also been observed to segregate with disease in related individuals. This variant is present in population databases (rs118203907, gnomAD 0.004%). This sequence change replaces tyrosine, which is neutral and polar, with cysteine, which is neutral and slightly polar, at codon 1730 of the F5 protein (p.Tyr1730Cys).

Illumina Laboratory Services, Illumina
Classification: Pathogenic for Congenital factor V deficiency. Last evaluated: 2019-01-11. Review status: criteria provided, single submitter. Criteria: ICSL Variant Classification Criteria 09 May 2019. Collection method: clinical testing. Allele origin: germline.
Comment: The F5 c.5189A>G (p.Tyr1730Cys) missense variant, also referred to as p.Tyr1702Cys in the literature, has been reported in four studies in which it is found in a total of seven individuals with factor V deficiency and FV:C levels <1-2%, including in four in a homozygous state, in two in a compound heterozygous state, and in one in a heterozygous state in whom a second variant was not identified (Castoldi et al. 2001; Montefusco et al. 2003; Yamakage et al. 2006; Talbot et al. 2010). Two of the homozygous individuals remained asymptomatic. The p.Tyr1730Cys variant is also found in three symptomatic individuals with FV:C levels of between 30-60%, including one individual with digenic variants (Castoldi et al. 2000; Castoldi et al. 2001). The p.Tyr1730Cys variant was reported in one of 200 control individuals who showed reduced FV levels (FV:c 58%). This variant is reported at a frequency of 0.000036 in the European (non-Finnish) population of the Genome Aggregation Database. Castoldi et al. (2000) noted a lack of expression of the p.Tyr1730Cys variant protein in the plasma of an affected individual while FV activity in plasma of carriers was reported at 65% (Yamakage et al. 2006). Additionally, functional studies in COS-1 cells demonstrate significantly impaired secretion and inadequate FV procoagulant activity of mutant protein as compared to the wildtype protein (Yamakage et al. 2006). The Tyr1730 residue is highly conserved and X-ray crystal structure analysis suggest that this residue may play an important role in maintaining the structure and function of the FV molecule. Based on the collective evidence the p.Tyr1730Cys variant is classified as pathogenic for factor V deficiency. This variant was observed by ICSL as part of a predisposition screen in an ostensibly healthy population.

OMIM
Classification: Pathogenic for FACTOR V DEFICIENCY. Last evaluated: 2001-07-15. Review status: no assertion criteria provided. Collection method: literature only. Allele origin: germline. Not counted in ClinVar's aggregate classification.

Literature cited by the submitters: PubMed 10942390 (cited by Labcorp Genetics (formerly Invitae), Labcorp and Illumina Laboratory Services, Illumina); PubMed 11418372 (cited by Labcorp Genetics (formerly Invitae), Labcorp and Illumina Laboratory Services, Illumina); PubMed 16476093 (cited by Labcorp Genetics (formerly Invitae), Labcorp and Illumina Laboratory Services, Illumina); PubMed 24517203 (cited by Labcorp Genetics (formerly Invitae), Labcorp); PubMed 20735394 (cited by Illumina Laboratory Services, Illumina); PubMed 12816860 (cited by Illumina Laboratory Services, Illumina); PubMed 11435304 (cited by OMIM).